The following is an entry in ClinVar:

ClinVar aggregate classification (germline): Uncertain significance (1 of 4 stars; one submission).

Submission:

CeGaT Center for Human Genetics Tuebingen
Classification: Uncertain significance. Last evaluated: 2022-09-01. Review status: criteria provided, single submitter. Criteria: CeGaT Center For Human Genetics Tuebingen Variant Classification Criteria Version 2. Collection method: clinical testing. Allele origin: germline. Affected: yes. Observed: 1 variant allele.
Comment: RELN: PM2, BP4

NM_005045.4(RELN):c.559A>G (p.Thr187Ala)

Gene: RELN (reelin; minus strand). Cytogenetic location: 7q22.1.
Variant type: single nucleotide variant.
Coding change: c.559A>G on transcript NM_005045.4 (MANE Select); coding-DNA position 559, A replaced by G.
Protein change: p.Thr187Ala; replaces threonine 187 with alanine.
Molecular consequence: missense variant.
Genome position (GRCh38, 1-based): chr7:103,753,200, T>C on the plus strand (A>G on the coding strand, the complement: RELN is on the minus strand). VCF-style: chr7-103753200-T-C. GRCh37 (hg19) VCF-style: chr7-103393647-T-C.
Other names: c.559A>G, p.Thr187Ala (NM_173054.3); short protein forms T187A.
Identifiers: ClinVar variation 2657907 (VCV002657907.24), dbSNP rs2485065242, ClinGen allele CA368930426.
Genomic context (GRCh38, chr7:103,753,200, plus strand): 5'-TCAAGTACTAAAGTTAATGACATCAGAGTCTTAAACACTTACCTAGATGTGGGTGCACAG[T>C]GACATCTGTTGGAGCTGAATCAAGAGAGGAAAGAAGAAAGACAACTGATCAGGAATGAAA-3'
Protein context (NP_005036.2, residues 177-197): LCEQGAPTDV[Thr187Ala]VHPHLAEIHS